The following is an entry in ClinVar:

ClinVar aggregate classification (germline): Uncertain significance. Review status: criteria provided, multiple submitters, no conflicts (2 of 4 stars). 3 submissions from 3 submitters: Uncertain significance (3). Last evaluated 2023-02-24.

Conditions:
Haddad syndrome (OHD). Also called: Ondine-Hirschsprung disease. Identifiers: Orphanet 99803, MedGen C1859049, MONDO:0020493.
Hereditary cancer-predisposing syndrome. Also called: Tumor predisposition; Hereditary neoplastic syndrome; Hereditary Cancer Syndrome; Neoplastic Syndromes, Hereditary. Identifiers: Orphanet 140162, MedGen C0027672, MeSH D009386, MONDO:0015356.

Submissions (3):

GeneDx
Classification: Uncertain significance. Last evaluated: 2023-02-24. Review status: criteria provided, single submitter. Criteria: GeneDx Variant Classification Process June 2021. Collection method: clinical testing. Allele origin: germline. Affected: yes.
Comment: Not observed at significant frequency in large population cohorts (gnomAD); In silico analysis supports that this missense variant does not alter protein structure/function; Has not been previously published as pathogenic or benign to our knowledge

Labcorp Genetics (formerly Invitae), Labcorp
Classification: Uncertain significance for Haddad syndrome. Last evaluated: 2022-05-19. Review status: criteria provided, single submitter. Criteria: Invitae Variant Classification Sherloc (09022015). Collection method: clinical testing. Allele origin: germline.
Comment: In summary, the available evidence is currently insufficient to determine the role of this variant in disease. Therefore, it has been classified as a Variant of Uncertain Significance. Algorithms developed to predict the effect of missense changes on protein structure and function are either unavailable or do not agree on the potential impact of this missense change (SIFT: "Tolerated"; PolyPhen-2: "Not Available"; Align-GVGD: "Class C0"). ClinVar contains an entry for this variant (Variation ID: 935491). This variant has not been reported in the literature in individuals affected with PHOX2B-related conditions. This variant is not present in population databases (gnomAD no frequency). This sequence change replaces alanine, which is neutral and non-polar, with valine, which is neutral and non-polar, at codon 242 of the PHOX2B protein (p.Ala242Val).

Ambry Genetics
Classification: Uncertain significance for Hereditary cancer-predisposing syndrome. Last evaluated: 2022-04-04. Review status: criteria provided, single submitter. Criteria: Ambry Variant Classification Scheme 2023. Collection method: clinical testing. Allele origin: germline.
Comment: The p.A242V variant (also known as c.725C>T), located in coding exon 3 of the PHOX2B gene, results from a C to T substitution at nucleotide position 725. The alanine at codon 242 is replaced by valine, an amino acid with similar properties. This amino acid position is conserved. In addition, this alteration is predicted to be tolerated by in silico analysis. Since supporting evidence is limited at this time, the clinical significance of this alteration remains unclear.

NM_003924.4(PHOX2B):c.725C>T (p.Ala242Val)

Genes: PHOX2B (paired like homeobox 2B; minus strand), LOC110011216 (paired like homeobox 2b polyalanine repeat instability region; plus strand). Cytogenetic location: 4p13.
Variant type: single nucleotide variant.
Coding change: c.725C>T on transcript NM_003924.4 (MANE Select); coding-DNA position 725, C replaced by T.
Protein change: p.Ala242Val; replaces alanine 242 with valine.
Molecular consequence: missense variant.
Genome position (GRCh38, 1-based): chr4:41,746,027, G>A on the plus strand (C>T on the coding strand, the complement: PHOX2B is on the minus strand). VCF-style: chr4-41746027-G-A. GRCh37 (hg19) VCF-style: chr4-41748044-G-A.
Other names: short protein forms A242V.
Identifiers: ClinVar variation 935491 (VCV000935491.12), dbSNP rs1733882577, ClinGen allele CA356737255.